The following is an entry in ClinVar:

NM_000127.3(EXT1):c.247del (p.Arg83fs)

Gene: EXT1 (exostosin glycosyltransferase 1; minus strand). Cytogenetic location: 8q24.11.
Variant type: Deletion.
Coding change: c.247del on transcript NM_000127.3 (MANE Select); coding-DNA position 247, one base deleted (C; older notation c.247delC).
Protein change: p.Arg83fs; shifts the reading frame from arginine 83.
Molecular consequence: frameshift variant.
Genome position (GRCh38, 1-based): chr8:118,110,800, G deleted on the plus strand (C on the coding strand, the reverse complement: EXT1 is on the minus strand); the first of 6 consecutive G bases (chr8:118,110,800-118,110,805); deleting any one gives the same sequence. VCF-style (leftmost placement, unchanged base first): chr8-118110799-CG-C. GRCh37 (hg19) VCF-style: chr8-119123038-CG-C.
Other names: short protein forms R83fs.
Identifiers: ClinVar variation 944430 (VCV000944430.10), dbSNP rs1554601559, ClinGen allele CA918350966.

ClinVar aggregate classification (germline): Pathogenic. Review status: criteria provided, multiple submitters, no conflicts (2 of 4 stars). 2 submissions from 2 submitters: Pathogenic (2). Last evaluated 2025-07-29.

Conditions:
Multiple congenital exostosis (EXT). Also called: Hereditary multiple osteochondromas; Multiple osteochondromas; Multiple exostoses; MULTIPLE CARTILAGINOUS EXOSTOSES; Hereditary multiple exostoses; Hereditary multiple exostosis. Identifiers: Orphanet 321, MedGen C0015306, MONDO:0005508, HP:0002762.

Submissions (2):

Labcorp Genetics (formerly Invitae), Labcorp
Classification: Pathogenic for Multiple congenital exostosis. Last evaluated: 2025-07-29. Review status: criteria provided, single submitter. Criteria: Invitae Variant Classification Sherloc (09022015). Collection method: clinical testing. Allele origin: germline.
Comment: This sequence change creates a premature translational stop signal (p.Arg83Glyfs*53) in the EXT1 gene. It is expected to result in an absent or disrupted protein product. Loss-of-function variants in EXT1 are known to be pathogenic (PMID: 10679937, 11391482, 19810120). This variant is not present in population databases (gnomAD no frequency). This premature translational stop signal has been observed in individual(s) with multiple osteochondromas (PMID: 10713884). This variant is also known as 242–247delC. ClinVar contains an entry for this variant (Variation ID: 944430). For these reasons, this variant has been classified as Pathogenic.

GeneDx
Classification: Pathogenic. Last evaluated: 2023-01-03. Review status: criteria provided, single submitter. Criteria: GeneDx Variant Classification Process June 2021. Collection method: clinical testing. Allele origin: germline. Affected: yes.
Comment: Frameshift variant predicted to result in protein truncation or nonsense mediated decay in a gene for which loss of function is a known mechanism of disease; Not observed at significant frequency in large population cohorts (gnomAD); This variant is associated with the following publications: (PMID: 10713884)

Literature cited by the submitters: PubMed 10679937 (cited by Labcorp Genetics (formerly Invitae), Labcorp); PubMed 11391482 (cited by Labcorp Genetics (formerly Invitae), Labcorp); PubMed 19810120 (cited by Labcorp Genetics (formerly Invitae), Labcorp); PubMed 10713884 (cited by Labcorp Genetics (formerly Invitae), Labcorp).